The following is an entry in ClinVar:

ClinVar aggregate classification (germline): Pathogenic. Review status: criteria provided, single submitter (1 of 4 stars). 2 submissions from 2 submitters: Pathogenic (1). 1 of the submissions does not count toward it. Last evaluated 2026-08-25.

Conditions:
Inborn genetic diseases. Identifiers: MedGen C0950123, MeSH D030342.
Intellectual developmental disorder, autosomal dominant 30, with speech delay and behavioral abnormalities. Also called: Intellectual disability, autosomal dominant 30. Identifiers: Orphanet 436151, MedGen C4015167, MONDO:0014486, OMIM 616083.

Submissions (2):

Ambry Genetics
Classification: Pathogenic for Inborn genetic diseases. Last evaluated: 2026-08-25. Review status: criteria provided, single submitter. Criteria: Ambry Variant Classification Scheme 2023. Collection method: clinical testing. Allele origin: germline.
Comment: The c.1246_1247delGA (p.E416Sfs*5) alteration, exon 13 (coding exon 12) of the ZMYND11 gene, consists of a deletion of 2 nucleotides from position 1246 to 1247, causing a translational frameshift with a predicted alternate stop codon after 5 amino acids. This variant is expected to result in loss of function by premature protein truncation or nonsense-mediated mRNA decay. This variant was not reported in population-based cohorts in the Genome Aggregation Database (gnomAD). This variant was reported in individual(s) with features consistent with ZMYND11-related neurodevelopmental disorder (Coe, 2014). Based on the available evidence, this alteration is classified as pathogenic.

OMIM
Classification: Pathogenic for INTELLECTUAL DEVELOPMENTAL DISORDER, AUTOSOMAL DOMINANT 30, WITH SPEECH DELAY AND BEHAVIORAL ABNORMALITIES. Last evaluated: 2014-10-01. Review status: no assertion criteria provided. Collection method: literature only. Allele origin: germline. Not counted in ClinVar's aggregate classification.

Literature cited by the submitters: PubMed 25217958 (cited by Ambry Genetics and OMIM).

NM_001370100.5(ZMYND11):c.1246_1247del (p.Glu416fs)

Genes: ZMYND11 (zinc finger MYND-type containing 11; plus strand), LOC126860802 (BRD4-independent group 4 enhancer GRCh37_chr10:294268-295467; plus strand). Cytogenetic location: 10p15.3.
Variant type: Deletion.
Coding change: c.1246_1247del on transcript NM_001370100.5 (MANE Select); coding-DNA positions 1246 to 1247, 2 bases deleted (GA; older notation c.1246_1247delGA).
Protein change: p.Glu416fs; shifts the reading frame from glutamic acid 416.
Molecular consequence: frameshift variant. On other transcripts: non-coding transcript variant (1).
Genome position (GRCh38, 1-based): chr10:248,354-248,355, GA deleted; deleting any 2 consecutive bases within chr10:248,353-248,355 gives the same sequence; the c. name uses the placement nearest the transcript's 3' end. VCF-style (leftmost placement, unchanged base first): chr10-248352-CAG-C. GRCh37 (hg19) VCF-style: chr10-294292-CAG-C.
Other names: c.1084_1085del, p.Glu362fs (NM_001202464.3, NM_001202467.1, NM_001370103.2 and 6 more transcripts); c.991_992del, p.Glu331fs (NM_001202465.3, NM_001370110.2); c.1081_1082del, p.Glu361fs (NM_001202466.3, NM_001370111.2); c.1246_1247del, p.Glu416fs (NM_001202468.1, NM_001370097.3, NM_001370098.2 and 4 more transcripts); c.1195_1196del, p.Glu399fs (NM_001330057.3, NM_001370112.2); c.1153_1154del, p.Glu385fs (NM_001370113.2, NM_001370114.2); c.1243_1244del, p.Glu415fs (NM_001370115.2, NM_212479.4); c.1180_1181del, p.Glu394fs (NM_001370116.2); and 9 more; short protein forms E259fs, E340fs, E393fs, E394fs, E415fs, E297fs, E314fs, E331fs.
Identifiers: ClinVar variation 157553 (VCV000157553.4), dbSNP rs606231268, ClinGen allele CA170956.